The following is an entry in ClinVar:

NM_006059.4(LAMC3):c.3754T>A (p.Leu1252Met)

Gene: LAMC3 (laminin subunit gamma 3; plus strand). Cytogenetic location: 9q34.12.
Variant type: single nucleotide variant.
Coding change: c.3754T>A on transcript NM_006059.4 (MANE Select); coding-DNA position 3754, T replaced by A.
Protein change: p.Leu1252Met; replaces leucine 1252 with methionine.
Molecular consequence: missense variant.
Genome position (GRCh38, 1-based): chr9:131,077,311, T>A. VCF-style: chr9-131077311-T-A. GRCh37 (hg19) VCF-style: chr9-133952698-T-A.
Other names: c.3754T>A (NM_006059.3); short protein forms L1252M.
Identifiers: ClinVar variation 1359100 (VCV001359100.7), dbSNP rs1406282287, ClinGen allele CA375261601.

ClinVar aggregate classification (germline): Uncertain significance. Review status: criteria provided, multiple submitters, no conflicts (2 of 4 stars). 2 submissions from 2 submitters: Uncertain significance (2). Last evaluated 2025-10-02.

Conditions:
Inborn genetic diseases. Identifiers: MedGen C0950123, MeSH D030342.

Allele frequency attached by ClinVar (database versions not stated): gnomAD exomes below 0.00001.
gnomAD v4.1: 18 of 1,614,002 alleles (0.0011%); highest among the groups gnomAD compares: Non-Finnish European, 0.0015%; no homozygotes.

Submissions (2):

Ambry Genetics
Classification: Uncertain significance for Inborn genetic diseases. Last evaluated: 2025-10-02. Review status: criteria provided, single submitter. Criteria: Ambry Variant Classification Scheme 2023. Collection method: clinical testing. Allele origin: germline.

Labcorp Genetics (formerly Invitae), Labcorp
Classification: Uncertain significance. Last evaluated: 2022-08-09. Review status: criteria provided, single submitter. Criteria: Invitae Variant Classification Sherloc (09022015). Collection method: clinical testing. Allele origin: germline.
Comment: This variant has not been reported in the literature in individuals affected with LAMC3-related conditions. In summary, the available evidence is currently insufficient to determine the role of this variant in disease. Therefore, it has been classified as a Variant of Uncertain Significance. Algorithms developed to predict the effect of missense changes on protein structure and function (SIFT, PolyPhen-2, Align-GVGD) all suggest that this variant is likely to be tolerated. ClinVar contains an entry for this variant (Variation ID: 1359100). This variant is present in population databases (no rsID available, gnomAD 0.0009%). This sequence change replaces leucine, which is neutral and non-polar, with methionine, which is neutral and non-polar, at codon 1252 of the LAMC3 protein (p.Leu1252Met).